The following is an entry in ClinVar:

ClinVar aggregate classification (germline): Conflicting classifications of pathogenicity. Review status: criteria provided, conflicting classifications (1 of 4 stars). 2 submissions from 1 submitter: Uncertain significance (1); Likely benign (1). Last evaluated 2018-01-12.

Conditions:
Susceptibility to mononeuropathy of the median nerve, mild. Also called: CARPAL TUNNEL SYNDROME, SUSCEPTIBILITY TO. Identifiers: MedGen C3150596, MONDO:0013237, OMIM 613353.
Charcot-Marie-Tooth disease type 4C (CMT4C). Also called: CMT 4C; SH3TC2-Related Hereditary Motor and Sensory Neuropathy; Charcot-Marie-Tooth Neuropathy Type 4C (CMT4C); CHARCOT-MARIE-TOOTH DISEASE, DEMYELINATING, TYPE 4C; CHARCOT-MARIE-TOOTH DISEASE, DEMYELINATING, AUTOSOMAL RECESSIVE, TYPE 4C. Identifiers: Orphanet 99949, MedGen C1866636, MONDO:0011113, OMIM 601596.

Allele frequency attached by ClinVar (database versions not stated): TOPMed 0.00002; gnomAD 0.00003 and 0.00005; 1000 Genomes Project 30x 0.00031; 1000 Genomes Project 0.00040.
gnomAD v4.1: 8 of 152,322 alleles (0.0053%); highest among the groups gnomAD compares: East Asian, 0.12%; no homozygotes.

Submissions (2):

Illumina Laboratory Services, Illumina
Classification: Uncertain significance for Charcot-Marie-Tooth disease type 4C. Last evaluated: 2018-01-12. Review status: criteria provided, single submitter. Criteria: ICSL Variant Classification Criteria 13 December 2019. Collection method: clinical testing. Allele origin: germline.

Illumina Laboratory Services, Illumina
Classification: Likely benign for Susceptibility to mononeuropathy of the median nerve, mild. Last evaluated: 2018-01-12. Review status: criteria provided, single submitter. Criteria: ICSL Variant Classification Criteria 13 December 2019. Collection method: clinical testing. Allele origin: germline.
Comment: This variant was observed in the ICSL laboratory as part of a predisposition screen in an ostensibly healthy population. It had not been previously curated by ICSL or reported in the Human Gene Mutation Database (HGMD: prior to June 1st, 2018), and was therefore a candidate for classification through an automated scoring system. Utilizing variant allele frequency, disease prevalence and penetrance estimates, and inheritance mode, an automated score was calculated to assess if this variant is too frequent to cause the disease. Based on the score and internal cut-off values, a variant classified as likely benign is not then subjected to further curation. The score for this variant resulted in a classification of likely benign for this disease.

NM_024577.4(SH3TC2):c.*21149A>G

Gene: SH3TC2 (SH3 domain and tetratricopeptide repeats 2; minus strand). Cytogenetic location: 5q32.
Variant type: single nucleotide variant.
Coding change: c.*21149A>G on transcript NM_024577.4 (MANE Select); 21149 bases downstream of the stop codon, A replaced by G.
Molecular consequence: 3 prime UTR variant.
Genome position (GRCh38, 1-based): chr5:148,983,562, T>C on the plus strand (A>G on the coding strand, the complement: SH3TC2 is on the minus strand). VCF-style: chr5-148983562-T-C. GRCh37 (hg19) VCF-style: chr5-148363125-T-C.
Identifiers: ClinVar variation 907744 (VCV000907744.4), dbSNP rs552963495, ClinGen allele CA128984606.